The following is an entry in ClinVar:

ClinVar aggregate classification (germline): Pathogenic/Likely pathogenic. Review status: criteria provided, multiple submitters, no conflicts (2 of 4 stars). 7 submissions from 7 submitters: Pathogenic (3); Likely pathogenic (2). 2 of the submissions do not count toward it. Last evaluated 2025-12-30.

Conditions:
Adult hypophosphatasia. Identifiers: Orphanet 247676, Orphanet 436, MedGen C0268413, MONDO:1010154, OMIM 146300, MONDO:0007798.
Childhood hypophosphatasia. Identifiers: Orphanet 247667, Orphanet 436, MedGen C0220743, MONDO:1010168, OMIM 241510, MONDO:0009428.
Infantile hypophosphatasia. Identifiers: Orphanet 247651, Orphanet 436, MedGen C0268412, MONDO:1010169, OMIM 241500, MONDO:0009427.
Hypophosphatasia. Also called: Phosphoethanol-aminuria. Identifiers: Orphanet 436, MedGen C0020630, MeSH D007014, MONDO:0018570.
Decreased circulating alkaline phosphatase activity. Identifiers: MedGen C1860130, HP:0003282.

Submissions (7):

Labcorp Genetics (formerly Invitae), Labcorp
Classification: Pathogenic. Last evaluated: 2025-12-30. Review status: criteria provided, single submitter. Criteria: Invitae Variant Classification Sherloc (09022015). Collection method: clinical testing. Allele origin: germline.
Comment: This sequence change creates a premature translational stop signal (p.Leu372Aspfs*32) in the ALPL gene. It is expected to result in an absent or disrupted protein product. Loss-of-function variants in ALPL are known to be pathogenic (PMID: 3174660, 10679946, 32973344, 33814268). This variant is not present in population databases (gnomAD no frequency). This variant has not been reported in the literature in individuals affected with ALPL-related conditions. For these reasons, this variant has been classified as Pathogenic.

JKU Lab, Dept of Paediatrics, Johannes Kepler University
Classification: Pathogenic for Hypophosphatasia. Last evaluated: 2025-10-23. Review status: criteria provided, single submitter. Criteria: ACMG Guidelines, 2015. Collection method: curation. Allele origin: germline. Affected: yes.
Comment: This missense variant is present in GnomAD 4.1 (f = 4.7883e-06). REVEL score not applicable. Splice-prediction algorithms predict no effect on splicing. This variant has been reported in the literature in individuals affected with ALPL-related conditions (PMID: 34154874, 33852075, 32995696, 32879991).

Genomenon, Inc
Classification: Pathogenic for Hypophosphatasia. Last evaluated: 2025-08-29. Review status: criteria provided, single submitter. Criteria: Genomenon Sequence Variant Interpretation Standards. Collection method: curation. Allele origin: germline. Affected: yes.
Comment: ALPL p.Leu372AspfsTer32 (c.1114_1115del) is a frameshift variant that results in the production of a truncated protein which is predicted to undergo nonsense-mediated mRNA decay. This variant has been observed in at least one proband affected with hypophosphatasia (PMID:34154874;32879991). It is absent or not present at a significant frequency in gnomAD. In conclusion, we classify ALPL p.Leu372AspfsTer32 (c.1114_1115del) as a pathogenic variant.

Baylor Genetics
Classification: Likely pathogenic for Adult hypophosphatasia. Last evaluated: 2024-02-28. Review status: criteria provided, single submitter. Criteria: ACMG Guidelines, 2015. Collection method: clinical testing. Allele origin: unknown.

Fulgent Genetics
Classification: Likely pathogenic for Adult hypophosphatasia; Infantile hypophosphatasia; Childhood hypophosphatasia. Last evaluated: 2022-05-03. Review status: criteria provided, single submitter. Criteria: ACMG Guidelines, 2015. Collection method: clinical testing. Allele origin: unknown.

Counsyl
Classification: Likely pathogenic for Infantile hypophosphatasia. Last evaluated: 2018-06-06. Review status: no assertion criteria provided. Collection method: clinical testing. Allele origin: unknown. Not counted in ClinVar's aggregate classification.

Institute of Human Genetics, University of Wuerzburg
Classification: Pathogenic for Decreased circulating alkaline phosphatase activity. Review status: no assertion criteria provided. Collection method: clinical testing. Allele origin: unknown. Not counted in ClinVar's aggregate classification.

Literature cited by the submitters: PubMed 3174660 (cited by Labcorp Genetics (formerly Invitae), Labcorp); PubMed 10679946 (cited by Labcorp Genetics (formerly Invitae), Labcorp); PubMed 32973344 (cited by Labcorp Genetics (formerly Invitae), Labcorp); PubMed 33814268 (cited by Labcorp Genetics (formerly Invitae), Labcorp); PubMed 34154874 (cited by JKU Lab, Dept of Paediatrics, Johannes Kepler University and Genomenon, Inc); PubMed 33852075 (cited by JKU Lab, Dept of Paediatrics, Johannes Kepler University); PubMed 32995696 (cited by JKU Lab, Dept of Paediatrics, Johannes Kepler University); PubMed 32879991 (cited by JKU Lab, Dept of Paediatrics, Johannes Kepler University and Genomenon, Inc).

NM_000478.6(ALPL):c.1114_1115del (p.Leu372fs)

Gene: ALPL (alkaline phosphatase, biomineralization associated; plus strand). Cytogenetic location: 1p36.12.
Variant type: Microsatellite.
Coding change: c.1114_1115del on transcript NM_000478.6 (MANE Select); coding-DNA positions 1114 to 1115, 2 bases deleted (CT; older notation c.1114_1115delCT).
Protein change: p.Leu372fs; shifts the reading frame from leucine 372.
Molecular consequence: frameshift variant.
Genome position (GRCh38, 1-based): chr1:21,575,849-21,575,850, CT deleted; deleting any 2 consecutive bases within chr1:21,575,847-21,575,850 gives the same sequence; the c. name uses the placement nearest the transcript's 3' end. VCF-style (leftmost placement, unchanged base first): chr1-21575846-ACT-A. GRCh37 (hg19) VCF-style: chr1-21902339-ACT-A.
Other names: c.1114_1115delCT (NM_000478.6); c.949_950del, p.Leu317fs (NM_001127501.4); c.883_884del, p.Leu295fs (NM_001177520.3); c.1114_1115del, p.Leu372fs (NM_001369803.2, NM_001369804.2, NM_001369805.2); short protein forms L372fs, L295fs, L317fs.
Identifiers: ClinVar variation 558709 (VCV000558709.13), dbSNP rs1553414600, ClinGen allele CA658820991.
Genomic context (GRCh38, chr1:21,575,846, plus strand): 5'-GAGGCGGTGGAGATGGACCGGGCCATCGGGCAGGCAGGCAGCTTGACCTCCTCGGAAGAC[ACT>A]CTGACCGTGGTCACTGCGGACCATTCCCACGTCTTCACATTTGGTGGATACACCCCCCGT-3'